The following is an entry in ClinVar:

ClinVar aggregate classification (germline): Uncertain significance. Review status: criteria provided, multiple submitters, no conflicts (2 of 4 stars). 3 submissions from 3 submitters: Uncertain significance (3). Last evaluated 2026-01-27.

Conditions:
Inborn genetic diseases. Identifiers: MedGen C0950123, MeSH D030342.

gnomAD v4.1: 31 of 1,410,200 alleles (0.0022%); highest among the groups gnomAD compares: African/African-American, 0.038%; no homozygotes.

Submissions (3):

Women's Health and Genetics/Laboratory Corporation of America, LabCorp
Classification: Uncertain significance. Last evaluated: 2026-01-27. Review status: criteria provided, single submitter. Criteria: LabCorp Variant Classification Summary - May 2015. Collection method: clinical testing. Allele origin: germline.
Comment: Variant summary: DCHS1 c.4402C>T (p.Pro1468Ser) results in a non-conservative amino acid change in the encoded protein sequence. Algorithms developed to predict the effect of missense changes on protein structure and function are either unavailable or do not agree on the potential impact of this missense change. The variant allele was found at a frequency of 1.9e-05 in 53962 control chromosomes. The available data on variant occurrences in the general population are insufficient to allow any conclusion about variant significance. To our knowledge, no occurrence of c.4402C>T in individuals affected with DCHS1-related conditions and no experimental evidence demonstrating its impact on protein function have been reported. ClinVar contains an entry for this variant (Variation ID: 3627222). Based on the evidence outlined above, the variant was classified as uncertain significance.

Labcorp Genetics (formerly Invitae), Labcorp
Classification: Uncertain significance. Last evaluated: 2025-11-05. Review status: criteria provided, single submitter. Criteria: Invitae Variant Classification Sherloc (09022015). Collection method: clinical testing. Allele origin: germline.
Comment: This sequence change replaces proline, which is neutral and non-polar, with serine, which is neutral and polar, at codon 1468 of the DCHS1 protein (p.Pro1468Ser). The frequency data for this variant in the population databases is considered unreliable, as metrics indicate poor data quality at this position in the gnomAD database. This variant has not been reported in the literature in individuals affected with DCHS1-related conditions. ClinVar contains an entry for this variant (Variation ID: 3627222). Invitae Evidence Modeling of protein sequence and biophysical properties (such as structural, functional, and spatial information, amino acid conservation, physicochemical variation, residue mobility, and thermodynamic stability) indicates that this missense variant is not expected to disrupt DCHS1 protein function with a negative predictive value of 95%. In summary, the available evidence is currently insufficient to determine the role of this variant in disease. Therefore, it has been classified as a Variant of Uncertain Significance.

Ambry Genetics
Classification: Uncertain significance for Inborn genetic diseases. Last evaluated: 2025-08-20. Review status: criteria provided, single submitter. Criteria: Ambry Variant Classification Scheme 2023. Collection method: clinical testing. Allele origin: germline.

NM_003737.4(DCHS1):c.4402C>T (p.Pro1468Ser)

Gene: DCHS1 (dachsous cadherin-related 1; minus strand). Cytogenetic location: 11p15.4.
Variant type: single nucleotide variant.
Coding change: c.4402C>T on transcript NM_003737.4 (MANE Select); coding-DNA position 4402, C replaced by T.
Protein change: p.Pro1468Ser; replaces proline 1468 with serine.
Molecular consequence: missense variant.
Genome position (GRCh38, 1-based): chr11:6,630,392, G>A on the plus strand (C>T on the coding strand, the complement: DCHS1 is on the minus strand). VCF-style: chr11-6630392-G-A. GRCh37 (hg19) VCF-style: chr11-6651623-G-A.
Other names: c.4402C>T (NM_003737.2); short protein forms P1468S.
Identifiers: ClinVar variation 3627222 (VCV003627222.4).